The following is an entry in ClinVar:

ClinVar aggregate classification (germline): Uncertain significance. Review status: criteria provided, multiple submitters, no conflicts (2 of 4 stars). 2 submissions from 2 submitters: Uncertain significance (2). Last evaluated 2025-10-13.

Allele frequency attached by ClinVar (database versions not stated): gnomAD 0.00001 and 0.00002; gnomAD exomes 0.00002; ExAC 0.00003; TOPMed 0.00003.
gnomAD v4.1: 16 of 1,613,514 alleles (0.00099%); highest among the groups gnomAD compares: Middle Eastern, 0.016%; no homozygotes.

Submissions (2):

Labcorp Genetics (formerly Invitae), Labcorp
Classification: Uncertain significance. Last evaluated: 2025-10-13. Review status: criteria provided, single submitter. Criteria: Invitae Variant Classification Sherloc (09022015). Collection method: clinical testing. Allele origin: germline.
Comment: This sequence change replaces arginine, which is basic and polar, with cysteine, which is neutral and slightly polar, at codon 1358 of the RIMS1 protein (p.Arg1358Cys). This variant is present in population databases (rs765099299, gnomAD 0.009%). This missense change has been observed in individuals with clinical features of retinal dystrophy (internal data). ClinVar contains an entry for this variant (Variation ID: 952047). An algorithm developed to predict the effect of missense changes on protein structure and function (PolyPhen-2) suggests that this variant is likely to be disruptive. In summary, the available evidence is currently insufficient to determine the role of this variant in disease. Therefore, it has been classified as a Variant of Uncertain Significance.

Blueprint Genetics
Classification: Uncertain significance. Last evaluated: 2020-10-08. Review status: criteria provided, single submitter. Criteria: ACMG Guidelines, 2015. Collection method: clinical testing. Allele origin: germline.

NM_014989.7(RIMS1):c.4072C>T (p.Arg1358Cys)

Gene: RIMS1 (regulating synaptic membrane exocytosis 1; plus strand). Cytogenetic location: 6q13.
Variant type: single nucleotide variant.
Coding change: c.4072C>T on transcript NM_014989.7 (MANE Select); coding-DNA position 4072, C replaced by T.
Protein change: p.Arg1358Cys; replaces arginine 1358 with cysteine.
Molecular consequence: missense variant. On other transcripts: intron variant (24).
Genome position (GRCh38, 1-based): chr6:72,313,614, C>T. VCF-style: chr6-72313614-C-T. GRCh37 (hg19) VCF-style: chr6-73023317-C-T.
Other names: c.1792C>T, p.Arg598Cys (NM_001350469.2); c.1873C>T, p.Arg625Cys (NM_001350471.2); c.1765C>T, p.Arg589Cys (NM_001350474.2); c.1744+21568C>T (NM_001350428.2); c.1672+21568C>T (NM_001350424.2); c.1741+21568C>T (NM_001350430.2, NM_001168408.2); c.1669+21568C>T (NM_001350450.2); c.1996+21568C>T (NM_001350442.2); and 51 more; short protein forms R522C, R589C, R658C, R689C, R707C, R716C, R739C, R1358C.
Identifiers: ClinVar variation 952047 (VCV000952047.10), dbSNP rs765099299, ClinGen allele CA3886434.